The following is an entry in ClinVar:

NM_147686.4(TRAF3IP2):c.1613dup (p.Asn538fs)

Genes: TRAF3IP2 (TRAF3 interacting protein 2; minus strand), TRAF3IP2-AS1 (TRAF3IP2 antisense RNA 1; plus strand). Cytogenetic location: 6q21.
Variant type: Duplication.
Coding change: c.1613dup on transcript NM_147686.4 (MANE Select); coding-DNA position 1613, one base duplicated (A; older notation c.1613dupA).
Protein change: p.Asn538fs; shifts the reading frame from asparagine 538.
Molecular consequence: frameshift variant.
Genome position (GRCh38, 1-based): chr6:111,559,490, T duplicated on the plus strand (A on the coding strand, the reverse complement: TRAF3IP2 is on the minus strand); the first of 8 consecutive T bases (chr6:111,559,490-111,559,497); duplicating any one gives the same sequence. VCF-style (leftmost placement, unchanged base first): chr6-111559489-G-GT. GRCh37 (hg19) VCF-style: chr6-111880692-G-GT.
Other names: c.1610dup, p.Asn537fs (NM_001164281.3); c.245dup, p.Asn82fs (NM_001164283.3); c.1640dup, p.Asn547fs (NM_147200.3); short protein forms N537fs, N82fs, N538fs, N547fs.
Identifiers: ClinVar variation 1361481 (VCV001361481.6), dbSNP rs777439425, ClinGen allele CA365367069.

ClinVar aggregate classification (germline): Uncertain significance (1 of 4 stars; one submission).

Conditions:
Candidiasis, familial, 8 (CANDF8). Identifiers: Orphanet 1334, MedGen C3714992, MONDO:0014230, OMIM 615527.

Submission:

Labcorp Genetics (formerly Invitae), Labcorp
Classification: Uncertain significance for Candidiasis, familial, 8. Last evaluated: 2023-12-22. Review status: criteria provided, single submitter. Criteria: Invitae Variant Classification Sherloc (09022015). Collection method: clinical testing. Allele origin: germline.
Comment: This sequence change results in a frameshift in the TRAF3IP2 gene (p.Asn538Lysfs*97). While this is not anticipated to result in nonsense mediated decay, it is expected to disrupt the last 28 amino acid(s) of the TRAF3IP2 protein and extend the protein by 68 additional amino acid residues. The frequency data for this variant in the population databases is considered unreliable, as metrics indicate poor data quality at this position in the gnomAD database. This variant has not been reported in the literature in individuals affected with TRAF3IP2-related conditions. ClinVar contains an entry for this variant (Variation ID: 1361481). Experimental studies and prediction algorithms are not available or were not evaluated, and the functional significance of this variant is currently unknown. In summary, the available evidence is currently insufficient to determine the role of this variant in disease. Therefore, it has been classified as a Variant of Uncertain Significance.